The following is an entry in ClinVar:

NM_000327.4(ROM1):c.160G>A (p.Ala54Thr)

Gene: ROM1 (retinal outer segment membrane protein 1; plus strand). Cytogenetic location: 11q12.3.
Variant type: single nucleotide variant.
Coding change: c.160G>A on transcript NM_000327.4 (MANE Select); coding-DNA position 160, G replaced by A.
Protein change: p.Ala54Thr; replaces alanine 54 with threonine.
Molecular consequence: missense variant.
Genome position (GRCh38, 1-based): chr11:62,613,441, G>A. VCF-style: chr11-62613441-G-A. GRCh37 (hg19) VCF-style: chr11-62380913-G-A.
Other names: short protein forms A54T.
Identifiers: ClinVar variation 2119172 (VCV002119172.5), dbSNP rs2496220491, ClinGen allele CA380968679.
Genomic context (GRCh38, chr11:62,613,441, plus strand): 5'-GTCATCCTCCTCTGTAGTGGGCACCTCCTGGTCCAGCTAAGGCACCTTGGCACCTTCCTG[G>A]CTCCCTCCTGTCAGTTCCCTGTCCTGCCCCAGGCTGCCCTGGCAGCGGGCGCGGTGGCTC-3'
Protein context (NP_000318.2, residues 44-64): VQLRHLGTFL[Ala54Thr]PSCQFPVLPQ

ClinVar aggregate classification (germline): Uncertain significance. Review status: criteria provided, multiple submitters, no conflicts (2 of 4 stars). 2 submissions from 2 submitters: Uncertain significance (2). Last evaluated 2025-06-29.

Allele frequency attached by ClinVar (database versions not stated): gnomAD exomes below 0.00001.

Submissions (2):

Labcorp Genetics (formerly Invitae), Labcorp
Classification: Uncertain significance. Last evaluated: 2025-06-29. Review status: criteria provided, single submitter. Criteria: Invitae Variant Classification Sherloc (09022015). Collection method: clinical testing. Allele origin: germline.
Comment: This sequence change replaces alanine, which is neutral and non-polar, with threonine, which is neutral and polar, at codon 54 of the ROM1 protein (p.Ala54Thr). This variant is not present in population databases (gnomAD no frequency). This variant has not been reported in the literature in individuals affected with ROM1-related conditions. ClinVar contains an entry for this variant (Variation ID: 2119172). An algorithm developed to predict the effect of missense changes on protein structure and function (PolyPhen-2) suggests that this variant is likely to be tolerated. In summary, the available evidence is currently insufficient to determine the role of this variant in disease. Therefore, it has been classified as a Variant of Uncertain Significance.

Blueprint Genetics
Classification: Uncertain significance. Last evaluated: 2018-07-27. Review status: criteria provided, single submitter. Criteria: ACMG Guidelines, 2015. Collection method: clinical testing. Allele origin: germline.